The following is an entry in ClinVar:

ClinVar aggregate classification (germline): Uncertain significance (1 of 4 stars; one submission).

Conditions:
Inborn genetic diseases. Identifiers: MedGen C0950123, MeSH D030342.

Submission:

Ambry Genetics
Classification: Uncertain significance for Inborn genetic diseases. Last evaluated: 2025-05-26. Review status: criteria provided, single submitter. Criteria: Ambry Variant Classification Scheme 2023. Collection method: clinical testing. Allele origin: germline.
Comment: The p.P614H variant (also known as c.1841C>A), located in coding exon 21 of the FANCA gene, results from a C to A substitution at nucleotide position 1841. The proline at codon 614 is replaced by histidine, an amino acid with similar properties. This amino acid position is conserved. In addition, this alteration is predicted to be deleterious by in silico analysis. Based on the available evidence, the clinical significance of this variant remains unclear.

NM_000135.4(FANCA):c.1841C>A (p.Pro614His)

Gene: FANCA (FA complementation group A; minus strand). Cytogenetic location: 16q24.3.
Variant type: single nucleotide variant.
Coding change: c.1841C>A on transcript NM_000135.4 (MANE Select); coding-DNA position 1841, C replaced by A.
Protein change: p.Pro614His; replaces proline 614 with histidine.
Molecular consequence: missense variant.
Genome position (GRCh38, 1-based): chr16:89,775,801, G>T on the plus strand (C>A on the coding strand, the complement: FANCA is on the minus strand). VCF-style: chr16-89775801-G-T. GRCh37 (hg19) VCF-style: chr16-89842209-G-T.
Other names: c.1841C>A, p.Pro614His (NM_001286167.3); short protein forms P614H.
Identifiers: ClinVar variation 4022316 (VCV004022316.1).
Genomic context (GRCh38, chr16:89,775,801, plus strand): 5'-CCTTCTGGCTTCTCTTCAGCAGCAGAGCAGGCCTGGCAGTAGGTGGAGTACAGAGATGGG[G>T]GGATTTTATCTGCTCTGGATCACAGGAAAACAATACAATTAAGTCAGCTATGGCTTAAAT-3'
Protein context (NP_000126.2, residues 604-624): IESLKRADKI[Pro614His]PSLYSTYCQA